The following is an entry in ClinVar:

ClinVar aggregate classification (germline): Likely benign. Review status: criteria provided, single submitter (1 of 4 stars). 2 submissions from 2 submitters: Likely benign (1). 1 of the submissions does not count toward it. Last evaluated 2024-11-25.

Conditions:
NRAP-related disorder. Also called: NRAP-related condition.

Allele frequency attached by ClinVar (database versions not stated): ExAC 0.00032; ESP Exome Variant Server 0.00108; 1000 Genomes Project 30x 0.00234; 1000 Genomes Project 0.00260.
gnomAD v4.1: 294 of 1,613,582 alleles (0.018%); highest among the groups gnomAD compares: African/African-American, 0.32%; 1 homozygote.

Submissions (2):

Blueprint Genetics
Classification: Likely benign. Last evaluated: 2024-11-25. Review status: criteria provided, single submitter. Criteria: ACMG Guidelines, 2015. Collection method: clinical testing. Allele origin: germline.

PreventionGenetics, part of Exact Sciences
Classification: Likely benign for NRAP-related condition. Last evaluated: 2020-04-02. Review status: no assertion criteria provided. Collection method: clinical testing. Allele origin: germline. Not counted in ClinVar's aggregate classification.
Comment: This variant is classified as likely benign based on ACMG/AMP sequence variant interpretation guidelines (Richards et al. 2015 PMID: 25741868, with internal and published modifications).

NM_198060.4(NRAP):c.5088+1G>A

Gene: NRAP (nebulin related anchoring protein; minus strand). Cytogenetic location: 10q25.3.
Variant type: single nucleotide variant.
Coding change: c.5088+1G>A on transcript NM_198060.4 (MANE Select); the canonical splice donor site of the intron after coding-DNA position 5088, G replaced by A.
Molecular consequence: splice donor variant.
Genome position (GRCh38, 1-based): chr10:113,589,665, C>T on the plus strand (G>A on the coding strand, the complement: NRAP is on the minus strand). VCF-style: chr10-113589665-C-T. GRCh37 (hg19) VCF-style: chr10-115349424-C-T.
Other names: c.4983+1G>A (NM_006175.5); c.4980+1G>A (NM_001322945.2); c.5088+1G>A (NM_001261463.2).
Identifiers: ClinVar variation 3050126 (VCV003050126.3), dbSNP rs11575789, ClinGen allele CA5694192.